The following is an entry in ClinVar:

ClinVar aggregate classification (germline): Conflicting classifications of pathogenicity. Review status: criteria provided, conflicting classifications (1 of 4 stars). 2 submissions from 2 submitters: Uncertain significance (1); Likely benign (1). Last evaluated 2026-09-01.

Conditions:
Early-infantile DEE. Also called: Early infantile epileptic encephalopathy with suppression bursts; Early infantile epileptic encephalopathy; Ohtahara syndrome. Identifiers: Orphanet 1934, MedGen C0393706, MONDO:0800491.

Allele frequency attached by ClinVar (database versions not stated): gnomAD exomes below 0.00001; gnomAD 0.00001.

Submissions (2):

GeneDx
Classification: Uncertain significance. Last evaluated: 2026-09-01. Review status: criteria provided, single submitter. Criteria: GeneDx Variant Classification Process June 2021. Collection method: clinical testing. Allele origin: germline.
Comment: Not observed at significant frequency in large population cohorts (gnomAD); Has not been previously published as pathogenic or benign to our knowledge; In silico analysis is inconclusive as to whether the variant alters gene splicing. In the absence of RNA/functional studies, the actual effect of this sequence change is unknown.

Labcorp Genetics (formerly Invitae), Labcorp
Classification: Likely benign for Early-infantile DEE. Last evaluated: 2024-12-17. Review status: criteria provided, single submitter. Criteria: Invitae Variant Classification Sherloc (09022015). Collection method: clinical testing. Allele origin: germline.

NM_001165963.4(SCN1A):c.4853-3dup

Genes: SCN1A (sodium voltage-gated channel alpha subunit 1; minus strand), LOC102724058 (uncharacterized LOC102724058; plus strand). Cytogenetic location: 2q24.3.
Variant type: Duplication.
Coding change: c.4853-3dup on transcript NM_001165963.4 (MANE Select); 3 bases into the intron before coding-DNA position 4853, one base duplicated (T; older notation c.4853-3dupT).
Molecular consequence: intron variant.
Genome position (GRCh38, 1-based): chr2:165,992,425, A duplicated on the plus strand (T on the coding strand, the reverse complement: SCN1A is on the minus strand). VCF-style (leftmost placement, unchanged base first): chr2-165992424-T-TA. GRCh37 (hg19) VCF-style: chr2-166848934-T-TA.
Other names: c.4820-3dup (NM_001353949.2, NM_001353950.2, NM_001353951.2 and 2 more transcripts); c.4769-3dup (NM_001353958.2, NM_001353957.2, NM_001165964.3); c.4853-3dup (NM_001202435.3, NM_001353948.2); c.4817-3dup (NM_001353955.2, NM_001353954.2); c.4766-3dup (NM_001353960.2); c.2411-3dup (NM_001353961.2).
Identifiers: ClinVar variation 451838 (VCV000451838.6), dbSNP rs1553520532, ClinGen allele CA658657093.